The following is an entry in ClinVar:

NM_006231.4(POLE):c.2706+1G>A

Gene: POLE (DNA polymerase epsilon, catalytic subunit; minus strand). Cytogenetic location: 12q24.33.
Variant type: single nucleotide variant.
Coding change: c.2706+1G>A on transcript NM_006231.4 (MANE Select); the canonical splice donor site of the intron after coding-DNA position 2706, G replaced by A.
Molecular consequence: splice donor variant.
Genome position (GRCh38, 1-based): chr12:132,664,003, C>T on the plus strand (G>A on the coding strand, the complement: POLE is on the minus strand). VCF-style: chr12-132664003-C-T. GRCh37 (hg19) VCF-style: chr12-133240589-C-T.
Identifiers: ClinVar variation 4862289 (VCV004862289.1).

ClinVar aggregate classification (germline): Uncertain significance (1 of 4 stars; one submission).

Conditions:
Hereditary cancer-predisposing syndrome. Also called: Neoplastic Syndromes, Hereditary; Tumor predisposition; Hereditary Cancer Syndrome; Hereditary neoplastic syndrome. Identifiers: Orphanet 140162, MedGen C0027672, MeSH D009386, MONDO:0015356.

Submission:

Ambry Genetics
Classification: Uncertain significance for Hereditary cancer-predisposing syndrome. Last evaluated: 2026-05-05. Review status: criteria provided, single submitter. Criteria: Ambry Variant Classification Scheme 2023. Collection method: clinical testing. Allele origin: germline.
Comment: The c.2706+1G>A intronic variant results from a G to A substitution one nucleotide after coding exon 23 of the POLE gene. This nucleotide position is highly conserved in available vertebrate species. In silico splice site analysis predicts that this alteration will weaken the native splice donor site. Variants that disrupt the canonical splice site are expected to cause aberrant splicing, resulting in an abnormal protein or a transcript that is subject to nonsense-mediated mRNA decay. Although biallelic loss of function of POLE has been associated with autosomal recessive POLE deficiency, haploinsufficiency of POLE has not been established as a mechanism of disease for POLE-related polymerase proofreading-associated polyposis (PPAP) and POLE-related CMMRD-like syndrome. Based on the supporting evidence, this variant is expected to be causative of POLE deficiency when present along with a second pathogenic variant on the other allele; however, its clinical significance for PPAP and POLE-related CMMRD-like syndrome is unclear.